The following is an entry in ClinVar:

NM_015512.5(DNAH1):c.6836G>T (p.Gly2279Val)

Gene: DNAH1 (dynein axonemal heavy chain 1; plus strand). Cytogenetic location: 3p21.1.
Variant type: single nucleotide variant.
Coding change: c.6836G>T on transcript NM_015512.5 (MANE Select); coding-DNA position 6836, G replaced by T.
Protein change: p.Gly2279Val; replaces glycine 2279 with valine.
Molecular consequence: missense variant.
Genome position (GRCh38, 1-based): chr3:52,372,904, G>T. VCF-style: chr3-52372904-G-T. GRCh37 (hg19) VCF-style: chr3-52406920-G-T.
Other names: c.6836G>T (NM_015512.4); short protein forms G2279V.
Identifiers: ClinVar variation 3767053 (VCV003767053.2).

ClinVar aggregate classification (germline): Uncertain significance. Review status: criteria provided, multiple submitters, no conflicts (2 of 4 stars). 2 submissions from 2 submitters: Uncertain significance (2). Last evaluated 2024-12-11.

gnomAD v4.1: 11 of 1,612,750 alleles (0.00068%); highest among the groups gnomAD compares: African/African-American, 0.011%; no homozygotes.

Submissions (2):

Ambry Genetics
Classification: Uncertain significance. Last evaluated: 2024-12-11. Review status: criteria provided, single submitter. Criteria: Ambry Variant Classification Scheme 2023. Collection method: clinical testing. Allele origin: germline.

ARUP Laboratories, Molecular Genetics and Genomics, ARUP Laboratories
Classification: Uncertain significance. Last evaluated: 2024-05-20. Review status: criteria provided, single submitter. Criteria: ARUP Molecular Germline Variant Investigation Process 2024. Collection method: clinical testing. Allele origin: germline.
Comment: The DNAH1 c.6836G>T; p.Gly2279Val variant (rs1358108429), to our knowledge, is not reported in the medical literature or gene specific databases. This variant is only observed on one allele in the Genome Aggregation Database (v2.1.1), indicating it is not a common polymorphism. Computational analyses are uncertain whether this variant is neutral or deleterious (REVEL: 0.455). Due to limited information, the clinical significance of this variant is uncertain at this time.